The following is an entry in ClinVar:

NM_153704.6(TMEM67):c.1073C>T (p.Pro358Leu)

Gene: TMEM67 (transmembrane protein 67; plus strand). Cytogenetic location: 8q22.1.
Variant type: single nucleotide variant.
Coding change: c.1073C>T on transcript NM_153704.6 (MANE Select); coding-DNA position 1073, C replaced by T.
Protein change: p.Pro358Leu; replaces proline 358 with leucine.
Molecular consequence: missense variant. On other transcripts: non-coding transcript variant (1).
Genome position (GRCh38, 1-based): chr8:93,782,402, C>T. VCF-style: chr8-93782402-C-T. GRCh37 (hg19) VCF-style: chr8-94794630-C-T.
Other names: c.830C>T, p.Pro277Leu (NM_001142301.1); short protein forms P277L, P358L.
Identifiers: ClinVar variation 217720 (VCV000217720.6), dbSNP rs863225232, ClinGen allele CA279392.
Genomic context (GRCh38, chr8:93,782,402, plus strand): 5'-TATAAGAATAGAAAACATTTGTGAGATTTATCTGTTGTATTATTTTGCTGCAGCTTTGTC[C>T]AGACACAGAGACAAGGCTAAATGCTGCTTATTCATTTGGAACAACCTACCAACAAAATGT-3'
Protein context (NP_714915.3, residues 348-368): TLEGGVLQLC[Pro358Leu]DTETRLNAAY

ClinVar aggregate classification (germline): Pathogenic/Likely pathogenic. Review status: criteria provided, multiple submitters, no conflicts (2 of 4 stars). 4 submissions from 4 submitters: Pathogenic (2); Likely pathogenic (1). 1 of the submissions does not count toward it. Last evaluated 2026-06-01.

Conditions:
TMEM67-related disorder. Also called: TMEM67-related condition; TMEM67-related disorders. Identifiers: MedGen CN239423.
Joubert syndrome. Also called: Familial aplasia of the vermis; JOUBERT-BOLTSHAUSER SYNDROME. Identifiers: Orphanet 475, MedGen C5979921, MONDO:0018772.
Meckel-Gruber syndrome. Also called: DYSENCEPHALIA SPLANCHNOCYSTICA; GRUBER SYNDROME; Dysencephalia splachnocystica. Identifiers: Orphanet 564, MedGen C0265215, MONDO:0018921.
Joubert syndrome 6 (JBTS6). Identifiers: Orphanet 475, MedGen C1853153, MONDO:0012539, OMIM 610688.

Allele frequency attached by ClinVar (database versions not stated): gnomAD exomes below 0.00001; TOPMed below 0.00001; gnomAD 0.00001.
gnomAD v4.1: 5 of 1,612,170 alleles (0.00031%); highest among the groups gnomAD compares: Non-Finnish European, 0.00042%; no homozygotes.

Submissions (4):

PreventionGenetics, part of Exact Sciences
Classification: Likely pathogenic for TMEM67-related condition. Last evaluated: 2026-06-01. Review status: criteria provided, single submitter. Criteria: ACMG Guidelines, 2015. Collection method: clinical testing. Allele origin: germline.
Comment: The TMEM67 c.1073C>T variant is predicted to result in the amino acid substitution p.Pro358Leu. This variant has been reported in the compound heterozygous state in three individuals from the same pedigree with COACH syndrome (Doherty et al. 2010. PubMed ID: 19574260; Table S5 in Bachmann-Gagescu et al. 2015. PubMed ID: 26092869). It has also been reported in the compound heterozygous state in an individual with Joubert syndrome who also carried a pathogenic variant in KIF7 (Dafinger et al. 2011. PubMed ID: 21633164). It has been reported along with a second TMEM67 variant in an individual with nephronophthisis, although detailed clinical information was not provided (Table S2, König et al. 2022. PubMed ID: 36090483). This variant has not been reported in a large population database (gnomAD), indicating this variant is rare. This variant is interpreted as likely pathogenic.

Labcorp Genetics (formerly Invitae), Labcorp
Classification: Pathogenic for Joubert syndrome; Meckel-Gruber syndrome. Last evaluated: 2024-05-21. Review status: criteria provided, single submitter. Criteria: Invitae Variant Classification Sherloc (09022015). Collection method: clinical testing. Allele origin: germline.
Comment: This sequence change replaces proline, which is neutral and non-polar, with leucine, which is neutral and non-polar, at codon 358 of the TMEM67 protein (p.Pro358Leu). This variant is not present in population databases (gnomAD no frequency). This missense change has been observed in individual(s) with Joubert syndrome (PMID: 19574260, 21633164). ClinVar contains an entry for this variant (Variation ID: 217720). Advanced modeling of protein sequence and biophysical properties (such as structural, functional, and spatial information, amino acid conservation, physicochemical variation, residue mobility, and thermodynamic stability) performed at Invitae indicates that this missense variant is expected to disrupt TMEM67 protein function with a positive predictive value of 95%. For these reasons, this variant has been classified as Pathogenic.

UW Hindbrain Malformation Research Program, University of Washington
Classification: Pathogenic for Joubert syndrome 6. Last evaluated: 2015-02-23. Review status: criteria provided, single submitter. Criteria: Bachmann-Gagescu et al. (J Med Genet. 2015). Collection method: research. Allele origin: unknown. Affected: yes.

OMIM
Classification: Pathogenic for JOUBERT SYNDROME 6. Last evaluated: 2011-07-01. Review status: no assertion criteria provided. Collection method: literature only. Allele origin: germline. Not counted in ClinVar's aggregate classification.

Literature cited by the submitters: PubMed 19574260 (cited by Labcorp Genetics (formerly Invitae), Labcorp); PubMed 21633164 (cited by Labcorp Genetics (formerly Invitae), Labcorp and OMIM).